The following is an entry in ClinVar:

NM_014334.4(FRRS1L):c.-33C>G

Gene: FRRS1L (ferric chelate reductase 1 like; minus strand). Cytogenetic location: 9q31.3.
Variant type: single nucleotide variant.
Coding change: c.-33C>G on transcript NM_014334.4 (MANE Select); 33 bases upstream of the start codon, C replaced by G.
Molecular consequence: 5 prime UTR variant.
Genome position (GRCh38, 1-based): chr9:109,167,171, G>C on the plus strand (C>G on the coding strand, the complement: FRRS1L is on the minus strand). VCF-style: chr9-109167171-G-C. GRCh37 (hg19) VCF-style: chr9-111929451-G-C.
Identifiers: ClinVar variation 851070 (VCV000851070.8), dbSNP rs879450886, ClinGen allele CA197585115.

ClinVar aggregate classification (germline): Uncertain significance. Review status: criteria provided, multiple submitters, no conflicts (2 of 4 stars). 2 submissions from 2 submitters: Uncertain significance (2). Last evaluated 2024-08-27.

Conditions:
Inborn genetic diseases. Identifiers: MedGen C0950123, MeSH D030342.
Developmental and epileptic encephalopathy, 37 (DEE37). Also called: Epileptic encephalopathy, early infantile, 37. Identifiers: MedGen C4310770, MONDO:0014859, OMIM 616981.

Allele frequency attached by ClinVar (database versions not stated): gnomAD 0.00008 and 0.00010; TOPMed 0.00010.
gnomAD v4.1: 120 of 1,148,284 alleles (0.01%); highest among the groups gnomAD compares: African/African-American, 0.016%; no homozygotes.

Submissions (2):

Ambry Genetics
Classification: Uncertain significance for Inborn genetic diseases. Last evaluated: 2024-08-27. Review status: criteria provided, single submitter. Criteria: Ambry Variant Classification Scheme 2023. Collection method: clinical testing. Allele origin: germline.

Labcorp Genetics (formerly Invitae), Labcorp
Classification: Uncertain significance for Developmental and epileptic encephalopathy, 37. Last evaluated: 2022-08-29. Review status: criteria provided, single submitter. Criteria: Invitae Variant Classification Sherloc (09022015). Collection method: clinical testing. Allele origin: germline.
Comment: This sequence change replaces arginine, which is basic and polar, with glycine, which is neutral and non-polar, at codon 41 of the FRRS1L protein (p.Arg41Gly). This variant is present in population databases (no rsID available, gnomAD 0.007%). This variant has not been reported in the literature in individuals affected with FRRS1L-related conditions. ClinVar contains an entry for this variant (Variation ID: 851070). Algorithms developed to predict the effect of missense changes on protein structure and function output the following: SIFT: "Deleterious"; PolyPhen-2: "Not Available"; Align-GVGD: "Class C0". The glycine amino acid residue is found in multiple mammalian species, which suggests that this missense change does not adversely affect protein function. In summary, the available evidence is currently insufficient to determine the role of this variant in disease. Therefore, it has been classified as a Variant of Uncertain Significance.